The following is an entry in ClinVar:

NM_001329943.3(KIAA0586):c.235C>T (p.Gln79Ter)

Gene: KIAA0586 (KIAA0586; plus strand). Cytogenetic location: 14q23.1.
Variant type: single nucleotide variant.
Coding change: c.235C>T on transcript NM_001329943.3 (MANE Select); coding-DNA position 235, C replaced by T.
Protein change: p.Gln79Ter; replaces glutamine 79 with a stop codon.
Molecular consequence: nonsense. On other transcripts: 5 prime UTR variant (5).
Genome position (GRCh38, 1-based): chr14:58,429,398, C>T. VCF-style: chr14-58429398-C-T. GRCh37 (hg19) VCF-style: chr14-58896116-C-T.
Other names: c.271C>T, p.Gln91Ter (NM_001244189.2); c.190C>T, p.Gln64Ter (NM_001244190.2); c.-21C>T (NM_001244191.2, NM_001244192.2, NM_001329945.2 and 2 more transcripts); c.235C>T, p.Gln79Ter (NM_001329944.2, NM_001329946.2, NM_001329947.2 and 1 more transcripts); short protein forms Q79*, Q64*, Q91*.
Identifiers: ClinVar variation 2948726 (VCV002948726.3), dbSNP rs2542458244, ClinGen allele CA389859419.
Genomic context (GRCh38, chr14:58,429,398, plus strand): 5'-AAAATCTATTCCTTTGTTTTGTTAGGTTCATCAGACTTAACTTCTGCTAGAAATTGTTAC[C>T]AGCCTCTATTAGAAAATCCCATGGTGTCAGAAAGTGTAAGCAAAAGGATTCTTAATTATG-3'

ClinVar aggregate classification (germline): Pathogenic (1 of 4 stars; one submission).

Conditions:
Short-rib thoracic dysplasia 14 with polydactyly (SRTD14). Identifiers: Orphanet 397715, MedGen C4225286, MONDO:0014688, OMIM 616546.
Joubert syndrome 23 (JBTS23). Identifiers: Orphanet 475, MedGen C4084822, MONDO:0014664, OMIM 616490.

Allele frequency attached by ClinVar (database versions not stated): gnomAD exomes below 0.00001.

Submission:

Labcorp Genetics (formerly Invitae), Labcorp
Classification: Pathogenic for Joubert syndrome 23; Short-rib thoracic dysplasia 14 with polydactyly. Last evaluated: 2025-01-07. Review status: criteria provided, single submitter. Criteria: Invitae Variant Classification Sherloc (09022015). Collection method: clinical testing. Allele origin: germline.
Comment: This sequence change creates a premature translational stop signal (p.Gln91*) in the KIAA0586 gene. It is expected to result in an absent or disrupted protein product. Loss-of-function variants in KIAA0586 are known to be pathogenic (PMID: 26096313, 26166481, 26386044). This variant is not present in population databases (gnomAD no frequency). This variant has not been reported in the literature in individuals affected with KIAA0586-related conditions. ClinVar contains an entry for this variant (Variation ID: 2948726). Algorithms developed to predict the effect of sequence changes on RNA splicing suggest that this variant may disrupt the consensus splice site. For these reasons, this variant has been classified as Pathogenic.

Literature cited by the submitters: PubMed 26096313; PubMed 26166481; PubMed 26386044.